The following is an entry in ClinVar:

ClinVar aggregate classification (germline): Uncertain significance (1 of 4 stars; one submission).

Conditions:
Ehlers-Danlos syndrome, type 4 (EDSVASC). Also called: Ehlers-Danlos syndrome vascular type; Ehlers Danlos syndrome, ecchymotic type; Ehlers Danlos syndrome, arterial type; Ehlers Danlos syndrome, Sack-Barabas type; Ehlers-Danlos Syndrome Type IV. Identifiers: Orphanet 286, MedGen C0268338, MONDO:0017314, OMIM 130050.

Allele frequency attached by ClinVar (database versions not stated): TOPMed below 0.00001.

Submission:

Labcorp Genetics (formerly Invitae), Labcorp
Classification: Uncertain significance for Ehlers-Danlos syndrome, type 4. Last evaluated: 2018-11-08. Review status: criteria provided, single submitter. Criteria: Invitae Variant Classification Sherloc (09022015). Collection method: clinical testing. Allele origin: germline.
Comment: In summary, the available evidence is currently insufficient to determine the role of this variant in disease. Therefore, it has been classified as a Variant of Uncertain Significance. Algorithms developed to predict the effect of missense changes on protein structure and function are either unavailable or do not agree on the potential impact of this missense change (SIFT: "Tolerated"; PolyPhen-2: "Not Available"; Align-GVGD: "Class C0"). This variant has not been reported in the literature in individuals with COL3A1-related disease. This variant is not present in population databases (ExAC no frequency). This sequence change replaces serine with threonine at codon 157 of the COL3A1 protein (p.Ser157Thr). The serine residue is moderately conserved and there is a small physicochemical difference between serine and threonine.

NM_000090.4(COL3A1):c.469T>A (p.Ser157Thr)

Gene: COL3A1 (collagen type III alpha 1 chain; plus strand). Cytogenetic location: 2q32.2.
Variant type: single nucleotide variant.
Coding change: c.469T>A on transcript NM_000090.4 (MANE Select); coding-DNA position 469, T replaced by A.
Protein change: p.Ser157Thr; replaces serine 157 with threonine.
Molecular consequence: missense variant.
Genome position (GRCh38, 1-based): chr2:188,987,080, T>A. VCF-style: chr2-188987080-T-A. GRCh37 (hg19) VCF-style: chr2-189851806-T-A.
Other names: short protein forms S157T.
Identifiers: ClinVar variation 647152 (VCV000647152.9), dbSNP rs1576461726, ClinGen allele CA349848077.